The following is an entry in ClinVar:

NM_000037.4(ANK1):c.1685C>T (p.Pro562Leu)

Gene: ANK1 (ankyrin 1; minus strand). Cytogenetic location: 8p11.21.
Variant type: single nucleotide variant.
Coding change: c.1685C>T on transcript NM_000037.4 (MANE Select); coding-DNA position 1685, C replaced by T.
Protein change: p.Pro562Leu; replaces proline 562 with leucine.
Molecular consequence: missense variant.
Genome position (GRCh38, 1-based): chr8:41,714,992, G>A on the plus strand (C>T on the coding strand, the complement: ANK1 is on the minus strand). VCF-style: chr8-41714992-G-A. GRCh37 (hg19) VCF-style: chr8-41572510-G-A.
Other names: p.Pro562Leu; c.1784C>T, p.Pro595Leu (NM_001142446.2); c.1685C>T, p.Pro562Leu (NM_020475.3, NM_020476.3, NM_020477.3); c.1685C>T (NM_020476.2); short protein forms P595L, P562L.
Identifiers: ClinVar variation 2314594 (VCV002314594.4), dbSNP rs767693050, ClinGen allele CA4728528.
Genomic context (GRCh38, chr8:41,714,992, plus strand): 5'-CCTCTAACCTGAGAGCTGCAGGGGAGGGCAGGGTTCAAACTCACTTTTCCGGCAGCATTC[G>A]GGTGTGCGTCCCGCTCCAGCAGCAGCTCTGCCACCCGCACCTTCCCGTACTTGGCCGCCA-3'
Protein context (NP_000028.3, residues 552-572): AELLLERDAH[Pro562Leu]NAAGKNGLTP

ClinVar aggregate classification (germline): Uncertain significance. Review status: criteria provided, multiple submitters, no conflicts (2 of 4 stars). 3 submissions from 3 submitters: Uncertain significance (3). Last evaluated 2023-09-25.

Conditions:
Inborn genetic diseases. Identifiers: MedGen C0950123, MeSH D030342.
ANK1-related disorder. Also called: ANK1-related condition.

Allele frequency attached by ClinVar (database versions not stated): gnomAD 0.00001; TOPMed 0.00001; ExAC 0.00006.
gnomAD v4.1: 32 of 1,613,982 alleles (0.002%); highest among the groups gnomAD compares: South Asian, 0.023%; 1 homozygote.

Submissions (3):

Mayo Clinic Laboratories, Mayo Clinic
Classification: Uncertain significance. Last evaluated: 2023-09-25. Review status: criteria provided, single submitter. Criteria: ACMG Guidelines, 2015. Collection method: clinical testing. Allele origin: germline. Observed: 1 variant allele.
Comment: BS2, PM2_moderate

PreventionGenetics, part of Exact Sciences
Classification: Uncertain significance for ANK1-related condition. Last evaluated: 2023-08-03. Review status: criteria provided, single submitter. Criteria: ACMG Guidelines, 2015. Collection method: clinical testing. Allele origin: germline.
Comment: The ANK1 c.1685C>T variant is predicted to result in the amino acid substitution p.Pro562Leu. To our knowledge, this variant has not been reported in the literature. This variant is reported in 0.036% of alleles in individuals of South Asian descent in gnomAD. At this time, the clinical significance of this variant is uncertain due to the absence of conclusive functional and genetic evidence.

Ambry Genetics
Classification: Uncertain significance for Inborn genetic diseases. Last evaluated: 2022-09-29. Review status: criteria provided, single submitter. Criteria: Ambry Variant Classification Scheme 2023. Collection method: clinical testing. Allele origin: germline.